The following is an entry in ClinVar:

NM_001253852.3(AP4B1):c.1819G>C (p.Glu607Gln)

Genes: AP4B1 (adaptor related protein complex 4 subunit beta 1; minus strand), AP4B1-AS1 (AP4B1 antisense RNA 1; plus strand). Cytogenetic location: 1p13.2.
Variant type: single nucleotide variant.
Coding change: c.1819G>C on transcript NM_001253852.3 (MANE Select); coding-DNA position 1819, G replaced by C.
Protein change: p.Glu607Gln; replaces glutamic acid 607 with glutamine.
Molecular consequence: missense variant.
Genome position (GRCh38, 1-based): chr1:113,895,466, C>G on the plus strand (G>C on the coding strand, the complement: AP4B1 is on the minus strand). VCF-style: chr1-113895466-C-G. GRCh37 (hg19) VCF-style: chr1-114438088-C-G.
Other names: c.1522G>C, p.Glu508Gln (NM_001253853.3); c.1315G>C, p.Glu439Gln (NM_001308312.2); c.1819G>C, p.Glu607Gln (NM_006594.5); short protein forms E607Q, E439Q, E508Q.
Identifiers: ClinVar variation 1496372 (VCV001496372.7), dbSNP rs1166699876, ClinGen allele CA341708058.
Genomic context (GRCh38, chr1:113,895,466, plus strand): 5'-TAAGCTGGCGATTGGGGACTAGCATGAGGGCTCCAGAATCAGGGAGTTCTTGTACCCTCT[C>G]CTTGTTCTCTTCAGGAATCAAGGGTCCTAAAAGAGACAGAAAACTTGTGTGAAAGATGTT-3'
Protein context (NP_001240781.1, residues 597-617): SGPLIPEENK[Glu607Gln]RVQELPDSGA

ClinVar aggregate classification (germline): Uncertain significance (1 of 4 stars; one submission).

Conditions:
Hereditary spastic paraplegia 47. Also called: adaptor protein 4 (AP-4) deficiency syndrome; CEREBRAL PALSY, SPASTIC QUADRIPLEGIC, 5; Spastic paraplegia 47, autosomal recessive. Identifiers: Orphanet 280763, MedGen C3279738, MONDO:0013551, OMIM 614066.

Allele frequency attached by ClinVar (database versions not stated): gnomAD exomes below 0.00001 and 0.00001; TOPMed 0.00001.
gnomAD v4.1: 7 of 1,614,190 alleles (0.00043%); highest among the groups gnomAD compares: Non-Finnish European, 0.00059%; no homozygotes.

Submission:

Labcorp Genetics (formerly Invitae), Labcorp
Classification: Uncertain significance for Hereditary spastic paraplegia 47. Last evaluated: 2021-01-18. Review status: criteria provided, single submitter. Criteria: Invitae Variant Classification Sherloc (09022015). Collection method: clinical testing. Allele origin: germline.
Comment: This sequence change replaces glutamic acid with glutamine at codon 607 of the AP4B1 protein (p.Glu607Gln). The glutamic acid residue is moderately conserved and there is a small physicochemical difference between glutamic acid and glutamine. This variant is not present in population databases (ExAC no frequency). This variant has not been reported in the literature in individuals with AP4B1-related conditions. Algorithms developed to predict the effect of missense changes on protein structure and function (SIFT, PolyPhen-2, Align-GVGD) all suggest that this variant is likely to be tolerated, but these predictions have not been confirmed by published functional studies and their clinical significance is uncertain. In summary, the available evidence is currently insufficient to determine the role of this variant in disease. Therefore, it has been classified as a Variant of Uncertain Significance.